The following is an entry in ClinVar:

ClinVar aggregate classification (germline): Uncertain significance (1 of 4 stars; one submission).

Conditions:
BAZ1A-related disorder. Also called: BAZ1A-related condition.

Submission:

PreventionGenetics, part of Exact Sciences
Classification: Uncertain significance for BAZ1A-related condition. Last evaluated: 2024-10-27. Review status: criteria provided, single submitter. Criteria: ACMG Guidelines, 2015. Collection method: clinical testing. Allele origin: germline.
Comment: The BAZ1A c.2185A>G variant is predicted to result in the amino acid substitution p.Met729Val. To our knowledge, this variant has not been reported in the literature or in a large population database (gnomAD), indicating this variant is rare. At this time, the clinical significance of this variant is uncertain due to the absence of conclusive functional and genetic evidence.

NM_013448.3(BAZ1A):c.2185A>G (p.Met729Val)

Gene: BAZ1A (bromodomain adjacent to zinc finger domain 1A; minus strand). Cytogenetic location: 14q13.1.
Variant type: single nucleotide variant.
Coding change: c.2185A>G on transcript NM_013448.3 (MANE Select); coding-DNA position 2185, A replaced by G.
Protein change: p.Met729Val; replaces methionine 729 with valine.
Molecular consequence: missense variant.
Genome position (GRCh38, 1-based): chr14:34,780,237, T>C on the plus strand (A>G on the coding strand, the complement: BAZ1A is on the minus strand). VCF-style: chr14-34780237-T-C. GRCh37 (hg19) VCF-style: chr14-35249443-T-C.
Other names: c.2089A>G, p.Met697Val (NM_182648.2); short protein forms M729V, M697V.
Identifiers: ClinVar variation 4999949 (VCV004999949.1).